The following is an entry in ClinVar:

NM_002609.4(PDGFRB):c.1154G>A (p.Arg385His)

Gene: PDGFRB (platelet derived growth factor receptor beta; minus strand). Cytogenetic location: 5q32.
Variant type: single nucleotide variant.
Coding change: c.1154G>A on transcript NM_002609.4 (MANE Select); coding-DNA position 1154, G replaced by A.
Protein change: p.Arg385His; replaces arginine 385 with histidine.
Molecular consequence: missense variant.
Genome position (GRCh38, 1-based): chr5:150,132,068, C>T on the plus strand (G>A on the coding strand, the complement: PDGFRB is on the minus strand). VCF-style: chr5-150132068-C-T. GRCh37 (hg19) VCF-style: chr5-149511631-C-T.
Other names: c.962G>A, p.Arg321His (NM_001355016.2); c.671G>A, p.Arg224His (NM_001355017.2); short protein forms R385H, R224H, R321H.
Identifiers: ClinVar variation 4794514 (VCV004794514.1).
Genomic context (GRCh38, chr5:150,132,068, plus strand): 5'-ACCTCAGCATCCTCATGGAAGGCCCGCATGGTGTAGTGGCCAGCCTCTGCCACCTTCACG[C>T]GAACCAGTGTCAGCTCTGACACATACCTGGGGAGCAGGAAAGGCAGCTGTCAGAGTCGGA-3'
Protein context (NP_002600.1, residues 375-395): TRYVSELTLV[Arg385His]VKVAEAGHYT

ClinVar aggregate classification (germline): Uncertain significance (1 of 4 stars; one submission).

Conditions:
Skeletal overgrowth-craniofacial dysmorphism-hyperelastic skin-white matter lesions syndrome. Also called: SKELETAL OVERGROWTH WITH FACIAL DYSMORPHISM, HYPERELASTIC SKIN, WHITE MATTER LESIONS, AND NEUROLOGIC DETERIORATION; Kosaki overgrowth syndrome. Identifiers: Orphanet 477831, MedGen C4225270, MONDO:0014704, OMIM 616592.
Acroosteolysis-keloid-like lesions-premature aging syndrome. Also called: Premature aging syndrome, Penttinen type; Prematurely aged appearance, delayed bone maturation, acro-osteolysis, and brachydactyly; Progeroid syndrome, Penttinen type. Identifiers: Orphanet 363665, MedGen C1866182, MONDO:0011150, OMIM 601812.
Infantile myofibromatosis (IMF). Also called: Congenital generalized fibromatosis. Identifiers: Orphanet 2591, MedGen C0432284, MONDO:0016824.
Basal ganglia calcification, idiopathic, 4 (PFBC4). Also called: Familial Idiopathic Basal Ganglia Calcification 4; PRIMARY FAMILIAL BRAIN CALCIFICATION 4, AUTOSOMAL DOMINANT. Identifiers: Orphanet 1980, MedGen C3554321, MONDO:0014004, OMIM 615007.

gnomAD v4.1: 2 of 1,608,938 alleles (0.00012%); highest among the groups gnomAD compares: Non-Finnish European, 0.00017%; no homozygotes.

Submission:

Labcorp Genetics (formerly Invitae), Labcorp
Classification: Uncertain significance for Basal ganglia calcification, idiopathic, 4; Skeletal overgrowth-craniofacial dysmorphism-hyperelastic skin-white matter lesions syndrome; Infantile myofibromatosis; Acroosteolysis-keloid-like lesions-premature aging syndrome. Last evaluated: 2025-11-06. Review status: criteria provided, single submitter. Criteria: Invitae Variant Classification Sherloc (09022015). Collection method: clinical testing. Allele origin: germline.
Comment: This sequence change replaces arginine, which is basic and polar, with histidine, which is basic and polar, at codon 385 of the PDGFRB protein (p.Arg385His). This variant is present in population databases (rs375122221, gnomAD 0.0009%). This variant has not been reported in the literature in individuals affected with PDGFRB-related conditions. Invitae Evidence Modeling of protein sequence and biophysical properties (such as structural, functional, and spatial information, amino acid conservation, physicochemical variation, residue mobility, and thermodynamic stability) has been performed for this missense variant. However, the output from this modeling did not meet the statistical confidence thresholds required to predict the impact of this variant on PDGFRB protein function. In summary, the available evidence is currently insufficient to determine the role of this variant in disease. Therefore, it has been classified as a Variant of Uncertain Significance.